The following is an entry in ClinVar:

NC_000009.11:g.(?_26984235)_(27173380_?)dup

Genes: IFT74 (intraflagellar transport 74; plus strand), LRRC19 (leucine rich repeat containing 19; minus strand), TEK (TEK receptor tyrosine kinase; plus strand). Cytogenetic location: 9p21.2.
Variant type: Duplication.
Identifiers: ClinVar variation 1525365 (VCV001525365.4).

ClinVar aggregate classification (germline): Uncertain significance (1 of 4 stars; one submission).

Submission:

Labcorp Genetics (formerly Invitae), Labcorp
Classification: Uncertain significance. Last evaluated: 2021-10-13. Review status: criteria provided, single submitter. Criteria: Invitae Variant Classification Sherloc (09022015). Collection method: clinical testing. Allele origin: germline.
Comment: In summary, the available evidence is currently insufficient to determine the role of this variant in disease. Therefore, it has been classified as a Variant of Uncertain Significance. Experimental studies and prediction algorithms are not available or were not evaluated, and the functional significance of this variant is currently unknown. This variant has not been reported in the literature in individuals affected with IFT74-related conditions. This variant results in a copy number gain of the genomic region encompassing exon(s) 5-20 of the IFT74 gene. This region includes the termination codon of the gene. This copy number gain extends beyond the assayed region for this gene and therefore may encompass additional genes. As the precise location of this event is unknown, it may be in tandem or it may be located elsewhere in the genome.